The following is an entry in ClinVar:

NM_001282531.3(ADNP):c.2632A>G (p.Ser878Gly)

Gene: ADNP (activity dependent neuroprotector homeobox; minus strand). Cytogenetic location: 20q13.13.
Variant type: single nucleotide variant.
Coding change: c.2632A>G on transcript NM_001282531.3 (MANE Select); coding-DNA position 2632, A replaced by G.
Protein change: p.Ser878Gly; replaces serine 878 with glycine.
Molecular consequence: missense variant.
Genome position (GRCh38, 1-based): chr20:50,892,082, T>C on the plus strand (A>G on the coding strand, the complement: ADNP is on the minus strand). VCF-style: chr20-50892082-T-C. GRCh37 (hg19) VCF-style: chr20-49508619-T-C.
Other names: c.2632A>G, p.Ser878Gly (NM_001282532.2, NM_001347511.2, NM_015339.5 and 1 more transcripts); short protein forms S878G.
Identifiers: ClinVar variation 589464 (VCV000589464.5), dbSNP rs1568703975, ClinGen allele CA408968643.

ClinVar aggregate classification (germline): Uncertain significance (1 of 4 stars; one submission).

Conditions:
Inborn genetic diseases. Identifiers: MedGen C0950123, MeSH D030342.

Allele frequency attached by ClinVar (database versions not stated): gnomAD exomes below 0.00001; gnomAD 0.00001; TOPMed 0.00001.

Submission:

Ambry Genetics
Classification: Uncertain significance for Inborn genetic diseases. Last evaluated: 2016-12-13. Review status: criteria provided, single submitter. Criteria: Ambry Variant Classification Scheme 2023. Collection method: clinical testing. Allele origin: germline.
Comment: The p.S878G variant (also known as c.2632A>G), located in coding exon 3 of the ADNP gene, results from an A to G substitution at nucleotide position 2632. The serine at codon 878 is replaced by glycine, an amino acid with similar properties. This amino acid position is well conserved in available vertebrate species. In addition, this alteration is predicted to be tolerated by in silico analysis. Since supporting evidence is limited at this time, the clinical significance of this alteration remains unclear.